The following is an entry in ClinVar:

NM_004448.4(ERBB2):c.1523G>C (p.Gly508Ala)

Gene: ERBB2 (erb-b2 receptor tyrosine kinase 2; plus strand). Cytogenetic location: 17q12.
Variant type: single nucleotide variant.
Coding change: c.1523G>C on transcript NM_004448.4 (MANE Select); coding-DNA position 1523, G replaced by C.
Protein change: p.Gly508Ala; replaces glycine 508 with alanine.
Molecular consequence: missense variant. On other transcripts: non-coding transcript variant (1), intron variant (1).
Genome position (GRCh38, 1-based): chr17:39,716,310, G>C. VCF-style: chr17-39716310-G-C. GRCh37 (hg19) VCF-style: chr17-37872563-G-C.
Other names: c.1433G>C, p.Gly478Ala (NM_001005862.3, NM_001289938.2, NM_001382782.1 and 1 more transcripts); c.1478G>C, p.Gly493Ala (NM_001289936.2); c.1523G>C, p.Gly508Ala (NM_001289937.2, NM_001382785.1, NM_001382790.1 and 11 more transcripts); c.1640G>C, p.Gly547Ala (NM_001382784.1, NM_001382786.1); c.1598G>C, p.Gly533Ala (NM_001382787.1); c.1553G>C, p.Gly518Ala (NM_001382788.1); c.1544G>C, p.Gly515Ala (NM_001382789.1); c.1514G>C, p.Gly505Ala (NM_001382791.1); and 4 more; short protein forms G493A, G515A, G533A, G422A, G448A, G518A, G478A, G547A.
Identifiers: ClinVar variation 2771972 (VCV002771972.3), dbSNP rs2544273023, ClinGen allele CA399292240.

ClinVar aggregate classification (germline): Uncertain significance (1 of 4 stars; one submission).

Submission:

Labcorp Genetics (formerly Invitae), Labcorp
Classification: Uncertain significance. Last evaluated: 2023-11-20. Review status: criteria provided, single submitter. Criteria: Invitae Variant Classification Sherloc (09022015). Collection method: clinical testing. Allele origin: germline.
Comment: This sequence change replaces glycine, which is neutral and non-polar, with alanine, which is neutral and non-polar, at codon 508 of the ERBB2 protein (p.Gly508Ala). This variant is not present in population databases (gnomAD no frequency). This variant has not been reported in the literature in individuals affected with ERBB2-related conditions. Advanced modeling of protein sequence and biophysical properties (such as structural, functional, and spatial information, amino acid conservation, physicochemical variation, residue mobility, and thermodynamic stability) performed at Invitae indicates that this missense variant is not expected to disrupt ERBB2 protein function with a negative predictive value of 80%. In summary, the available evidence is currently insufficient to determine the role of this variant in disease. Therefore, it has been classified as a Variant of Uncertain Significance.